The following is an entry in ClinVar:

NM_018834.6(MATR3):c.1252C>T (p.Leu418=)

Gene: MATR3 (matrin 3; plus strand). Cytogenetic location: 5q31.2.
Variant type: single nucleotide variant.
Coding change: c.1252C>T on transcript NM_018834.6 (MANE Select); coding-DNA position 1252, C replaced by T.
Protein change: p.Leu418=; no amino-acid change (leucine 418 retained).
Molecular consequence: synonymous variant.
Genome position (GRCh38, 1-based): chr5:139,317,665, C>T. VCF-style: chr5-139317665-C-T. GRCh37 (hg19) VCF-style: chr5-138653354-C-T.
Other names: c.1252C>T, p.Leu418= (NM_001194954.2, NM_001194955.2, NM_001400441.1 and 16 more transcripts); c.388C>T, p.Leu130= (NM_001194956.2); c.238C>T, p.Leu80= (NM_001282278.2, NM_001400460.1, NM_001400462.1 and 5 more transcripts); c.391C>T, p.Leu131= (NM_001400459.1); c.352C>T, p.Leu118= (NM_001400461.1); c.1252C>T (NM_199189.2).
Identifiers: ClinVar variation 2985389 (VCV002985389.6), dbSNP rs763167322, ClinGen allele CA3433099.
Genomic context (GRCh38, chr5:139,317,665, plus strand): 5'-AGAGTTGTTCACATCATGGATTTTCAACGAGGGAAAAACTTGAGATACCAGCTATTACAG[C>T]TGGTAGAACCATTTGGAGTCATTTCAAATCATCTGATTCTAAATAAAATTAATGAGGTAT-3'
Protein context (NP_061322.2, residues 408-428): GKNLRYQLLQ[Leu418=]VEPFGVISNH

ClinVar aggregate classification (germline): Likely benign. Review status: criteria provided, multiple submitters, no conflicts (2 of 4 stars). 3 submissions from 3 submitters: Likely benign (2). 1 of the submissions does not count toward it. Last evaluated 2026-07-01.

Conditions:
Amyotrophic lateral sclerosis type 21. Also called: VOCAL CORD AND PHARYNGEAL DYSFUNCTION WITH DISTAL MYOPATHY; MYOPATHY, DISTAL, 2. Identifiers: Orphanet 600, Orphanet 803, MedGen C3807521, MONDO:0011632, OMIM 606070.
MATR3-related disorder. Also called: MATR3-related condition.

Allele frequency attached by ClinVar (database versions not stated): gnomAD 0.00010; TOPMed 0.00010; gnomAD exomes 0.00002; ExAC 0.00006.
gnomAD v4.1: 48 of 1,611,052 alleles (0.003%); highest among the groups gnomAD compares: East Asian, 0.058%; no homozygotes.

Submissions (3):

CeGaT Center for Human Genetics Tuebingen
Classification: Likely benign. Last evaluated: 2026-07-01. Review status: criteria provided, single submitter. Criteria: CeGaT Center For Human Genetics Tuebingen Variant Classification Criteria Version 2. Collection method: clinical testing. Allele origin: germline. Affected: yes. Observed: 1 variant allele.
Comment: MATR3: BP4

Labcorp Genetics (formerly Invitae), Labcorp
Classification: Likely benign for Amyotrophic lateral sclerosis type 21. Last evaluated: 2025-09-08. Review status: criteria provided, single submitter. Criteria: Invitae Variant Classification Sherloc (09022015). Collection method: clinical testing. Allele origin: germline.

PreventionGenetics, part of Exact Sciences
Classification: Likely benign for MATR3-related condition. Last evaluated: 2023-02-08. Review status: no assertion criteria provided. Collection method: clinical testing. Allele origin: germline. Not counted in ClinVar's aggregate classification.
Comment: This variant is classified as likely benign based on ACMG/AMP sequence variant interpretation guidelines (Richards et al. 2015 PMID: 25741868, with internal and published modifications).